The following is an entry in ClinVar:

ClinVar aggregate classification (germline): Uncertain significance (1 of 4 stars; one submission).

Conditions:
X-linked lymphoproliferative disease due to XIAP deficiency. Also called: XIAP DEFICIENCY; XIAP-Related Lymphoproliferative Disease, X-Linked. Identifiers: Orphanet 2442, Orphanet 538934, MedGen C1845076, MONDO:0010385, OMIM 300635.

Submission:

Labcorp Genetics (formerly Invitae), Labcorp
Classification: Uncertain significance for X-linked lymphoproliferative disease due to XIAP deficiency. Last evaluated: 2023-08-23. Review status: criteria provided, single submitter. Criteria: Invitae Variant Classification Sherloc (09022015). Collection method: clinical testing. Allele origin: germline.
Comment: In summary, the available evidence is currently insufficient to determine the role of this variant in disease. Therefore, it has been classified as a Variant of Uncertain Significance. Advanced modeling of protein sequence and biophysical properties (such as structural, functional, and spatial information, amino acid conservation, physicochemical variation, residue mobility, and thermodynamic stability) performed at Invitae indicates that this missense variant is expected to disrupt XIAP protein function. This variant has not been reported in the literature in individuals affected with XIAP-related conditions. This variant is not present in population databases (gnomAD no frequency). This sequence change replaces leucine, which is neutral and non-polar, with proline, which is neutral and non-polar, at codon 47 of the XIAP protein (p.Leu47Pro).

NM_001167.4(XIAP):c.140T>C (p.Leu47Pro)

Gene: XIAP (X-linked inhibitor of apoptosis; plus strand). Cytogenetic location: Xq25.
Variant type: single nucleotide variant.
Coding change: c.140T>C on transcript NM_001167.4 (MANE Select); coding-DNA position 140, T replaced by C.
Protein change: p.Leu47Pro; replaces leucine 47 with proline.
Molecular consequence: missense variant.
Genome position (GRCh38, 1-based): chrX:123,885,802, T>C. VCF-style: chrX-123885802-T-C. GRCh37 (hg19) VCF-style: chrX-123019652-T-C.
Other names: c.140T>C, p.Leu47Pro (NM_001204401.2, NM_001378590.1, NM_001378591.1 and 1 more transcripts); short protein forms L47P.
Identifiers: ClinVar variation 2822565 (VCV002822565.3), dbSNP rs2522584443, ClinGen allele CA414122795.